The following is an entry in ClinVar:

ClinVar aggregate classification (germline): Benign. Review status: criteria provided, multiple submitters, no conflicts (2 of 4 stars). 5 submissions from 5 submitters: Benign (4). 1 of the submissions does not count toward it. Last evaluated 2024-07-01.

Conditions:
CERT1-related disorder. Also called: CERT1-related condition.

Allele frequency attached by ClinVar (database versions not stated): 1000 Genomes Project 0.00399; ExAC 0.00507; 1000 Genomes Project 30x 0.00562; gnomAD exomes 0.00873; TOPMed 0.00920; gnomAD 0.00961.
gnomAD v4.1: 20,462 of 1,547,012 alleles (1.3%); highest among the groups gnomAD compares: Non-Finnish European, 1.6%; 182 homozygotes.

Submissions (5):

CeGaT Center for Human Genetics Tuebingen
Classification: Benign. Last evaluated: 2024-07-01. Review status: criteria provided, single submitter. Criteria: CeGaT Center For Human Genetics Tuebingen Variant Classification Criteria Version 2. Collection method: clinical testing. Allele origin: germline. Affected: yes. Observed: 31 variant alleles.
Comment: CERT1: BS1, BS2

Labcorp Genetics (formerly Invitae), Labcorp
Classification: Benign. Last evaluated: 2019-12-31. Review status: criteria provided, single submitter. Criteria: Invitae Variant Classification Sherloc (09022015). Collection method: clinical testing. Allele origin: germline.

Centre for Mendelian Genomics, University Medical Centre Ljubljana
Classification: Benign. Last evaluated: 2019-03-27. Review status: criteria provided, single submitter. Criteria: ACMG Guidelines, 2015. Collection method: clinical testing. Allele origin: unknown. Affected: yes.
Comment: This variant was classified as: Benign. The following ACMG criteria were applied in classifying this variant: BS1,BS2.

Breakthrough Genomics
Classification: Benign. Review status: criteria provided, single submitter. Criteria: ACMG Guidelines, 2015. Collection method: not provided. Allele origin: germline. Inheritance: Autosomal dominant inheritance. Affected: yes.

PreventionGenetics, part of Exact Sciences
Classification: Benign for CERT1-related condition. Last evaluated: 2019-06-12. Review status: no assertion criteria provided. Collection method: clinical testing. Allele origin: germline. Not counted in ClinVar's aggregate classification.
Comment: This variant is classified as benign based on ACMG/AMP sequence variant interpretation guidelines (Richards et al. 2015 PMID: 25741868, with internal and published modifications).

NM_001379029.1(CERT1):c.-168C>G

Genes: CERT1 (ceramide transporter 1; minus strand), POLK (DNA polymerase kappa; plus strand). Cytogenetic location: 5q13.3.
Variant type: single nucleotide variant.
Coding change: c.-168C>G on transcript NM_001379029.1 (MANE Select); 168 bases upstream of the start codon, C replaced by G.
Molecular consequence: 5 prime UTR variant. On other transcripts: missense variant (1).
Genome position (GRCh38, 1-based): chr5:75,511,375, G>C on the plus strand (C>G on the coding strand, the complement: CERT1 is on the minus strand). VCF-style: chr5-75511375-G-C. GRCh37 (hg19) VCF-style: chr5-74807200-G-C.
Other names: c.217C>G, p.Arg73Gly (NM_001130105.1); c.-168C>G (NM_001379002.1, NM_001379003.1, NM_001379004.1 and 2 more transcripts); short protein forms R73G.
Identifiers: ClinVar variation 716634 (VCV000716634.39), dbSNP rs5744540, ClinGen allele CA3309422.